The following is an entry in ClinVar:

ClinVar aggregate classification (germline): Uncertain significance (1 of 4 stars; one submission).

gnomAD v4.1: 1 of 1,549,048 alleles (0.000065%); no homozygotes.

Submission:

GeneDx
Classification: Uncertain significance. Last evaluated: 2023-01-13. Review status: criteria provided, single submitter. Criteria: GeneDx Variant Classification Process June 2021. Collection method: clinical testing. Allele origin: germline. Affected: yes.
Comment: Not observed at significant frequency in large population cohorts (gnomAD); Nucleotide substitution has no predicted effect on splicing and is not conserved across species; Has not been previously published as pathogenic or benign to our knowledge

NM_020066.5(FMN2):c.-1C>T

Gene: FMN2 (formin 2; plus strand). Cytogenetic location: 1q43.
Variant type: single nucleotide variant.
Coding change: c.-1C>T on transcript NM_020066.5 (MANE Select); 1 bases upstream of the start codon, C replaced by T.
Molecular consequence: 5 prime UTR variant.
Genome position (GRCh38, 1-based): chr1:240,092,109, C>T. VCF-style: chr1-240092109-C-T. GRCh37 (hg19) VCF-style: chr1-240255409-C-T.
Other names: c.-1C>T (NM_001305424.2, NM_001348094.2).
Identifiers: ClinVar variation 2572878 (VCV002572878.1), dbSNP rs1660992161, ClinGen allele CA1228985452.